The following is an entry in ClinVar:

ClinVar aggregate classification (germline): Pathogenic (1 of 4 stars; one submission).

Conditions:
Ehlers-Danlos syndrome, type 4 (EDSVASC). Also called: Ehlers-Danlos syndrome vascular type; Ehlers Danlos syndrome, ecchymotic type; Ehlers Danlos syndrome, arterial type; Ehlers Danlos syndrome, Sack-Barabas type; Ehlers-Danlos Syndrome Type IV. Identifiers: Orphanet 286, MedGen C0268338, MONDO:0017314, OMIM 130050.

Submission:

Labcorp Genetics (formerly Invitae), Labcorp
Classification: Pathogenic for Ehlers-Danlos syndrome, type 4. Last evaluated: 2022-01-19. Review status: criteria provided, single submitter. Criteria: Invitae Variant Classification Sherloc (09022015). Collection method: clinical testing. Allele origin: germline.
Comment: This variant is not present in population databases (gnomAD no frequency). This variant has not been reported in the literature in individuals affected with COL3A1-related conditions. This variant disrupts a region of the COL3A1 protein in which other variant(s) (p.Phe1456Leu) have been determined to be pathogenic (Invitae). This suggests that this is a clinically significant region of the protein, and that variants that disrupt it are likely to be disease-causing. This sequence change creates a premature translational stop signal (p.Trp1424*) in the COL3A1 gene. While this is not anticipated to result in nonsense mediated decay, it is expected to disrupt the last 43 amino acid(s) of the COL3A1 protein. For these reasons, this variant has been classified as Pathogenic.

NM_000090.4(COL3A1):c.4271G>A (p.Trp1424Ter)

Gene: COL3A1 (collagen type III alpha 1 chain; plus strand). Cytogenetic location: 2q32.2.
Variant type: single nucleotide variant.
Coding change: c.4271G>A on transcript NM_000090.4 (MANE Select); coding-DNA position 4271, G replaced by A.
Protein change: p.Trp1424Ter; replaces tryptophan 1424 with a stop codon.
Molecular consequence: nonsense.
Genome position (GRCh38, 1-based): chr2:189,011,644, G>A. VCF-style: chr2-189011644-G-A. GRCh37 (hg19) VCF-style: chr2-189876370-G-A.
Other names: short protein forms W1424*.
Identifiers: ClinVar variation 2087847 (VCV002087847.4), dbSNP rs2469172612, ClinGen allele CA349850232.